The following is an entry in ClinVar:

NM_000901.5(NR3C2):c.2331G>A (p.Met777Ile)

Gene: NR3C2 (nuclear receptor subfamily 3 group C member 2; minus strand). Cytogenetic location: 4q31.23.
Variant type: single nucleotide variant.
Coding change: c.2331G>A on transcript NM_000901.5 (MANE Select); coding-DNA position 2331, G replaced by A.
Protein change: p.Met777Ile; replaces methionine 777 with isoleucine.
Molecular consequence: missense variant. On other transcripts: intron variant (2).
Genome position (GRCh38, 1-based): chr4:148,154,585, C>T on the plus strand (G>A on the coding strand, the complement: NR3C2 is on the minus strand). VCF-style: chr4-148154585-C-T. GRCh37 (hg19) VCF-style: chr4-149075736-C-T.
Other names: c.2015-1972G>A (NM_001354819.1, NM_001166104.2); short protein forms M777I.
Identifiers: ClinVar variation 1809946 (VCV001809946.1), dbSNP rs747431684, ClinGen allele CA358426261.

ClinVar aggregate classification (germline): Uncertain significance (1 of 4 stars; one submission).

gnomAD v4.1: 14 of 1,614,186 alleles (0.00087%); highest among the groups gnomAD compares: African/African-American, 0.0013%; no homozygotes.

Submission:

GeneDx
Classification: Uncertain significance. Last evaluated: 2022-06-26. Review status: criteria provided, single submitter. Criteria: GeneDx Variant Classification Process June 2021. Collection method: clinical testing. Allele origin: germline. Affected: yes.
Comment: Not observed at significant frequency in large population cohorts (gnomAD); In silico analysis supports that this missense variant does not alter protein structure/function; Has not been previously published as pathogenic or benign to our knowledge